The following is an entry in ClinVar:

ClinVar aggregate classification (germline): Uncertain significance (1 of 4 stars; one submission).

Conditions:
X-linked myopathy with postural muscle atrophy. Also called: FHL1-Related Emery-Dreifuss Muscular Dystrophy, X-Linked. Identifiers: Orphanet 178461, MedGen C2678055, MONDO:0010401, OMIM 300696.

Submission:

Labcorp Genetics (formerly Invitae), Labcorp
Classification: Uncertain significance for X-linked myopathy with postural muscle atrophy. Last evaluated: 2022-04-09. Review status: criteria provided, single submitter. Criteria: Invitae Variant Classification Sherloc (09022015). Collection method: clinical testing. Allele origin: germline.
Comment: This sequence change replaces phenylalanine, which is neutral and non-polar, with serine, which is neutral and polar, at codon 32 of the FHL1 protein (p.Phe32Ser). This variant is not present in population databases (gnomAD no frequency). This variant has not been reported in the literature in individuals affected with FHL1-related conditions. Algorithms developed to predict the effect of missense changes on protein structure and function are either unavailable or do not agree on the potential impact of this missense change (SIFT: "Deleterious"; PolyPhen-2: "Benign"; Align-GVGD: "Class C15"). In summary, the available evidence is currently insufficient to determine the role of this variant in disease. Therefore, it has been classified as a Variant of Uncertain Significance.

NM_001159699.2(FHL1):c.143T>C (p.Phe48Ser)

Gene: FHL1 (four and a half LIM domains 1; plus strand). Cytogenetic location: Xq26.3.
Variant type: single nucleotide variant.
Coding change: c.143T>C on transcript NM_001159699.2 (MANE Select); coding-DNA position 143, T replaced by C.
Protein change: p.Phe48Ser; replaces phenylalanine 48 with serine.
Molecular consequence: missense variant. On other transcripts: non-coding transcript variant (1).
Genome position (GRCh38, 1-based): chrX:136,206,527, T>C. VCF-style: chrX-136206527-T-C. GRCh37 (hg19) VCF-style: chrX-135288686-T-C.
Other names: c.95T>C, p.Phe32Ser (NM_001159700.2, NM_001159702.3, NM_001159703.2 and 9 more transcripts); c.182T>C, p.Phe61Ser (NM_001159701.2); c.143T>C, p.Phe48Ser (NM_001330659.2); short protein forms F61S, F32S, F48S.
Identifiers: ClinVar variation 2123756 (VCV002123756.4), dbSNP rs2521249242, ClinGen allele CA414607723.
Genomic context (GRCh38, chrX:136,206,527, plus strand): 5'-ATCCCTTGCAGGGGAAGAAGTATGTGCAAAAGGATGGCCACCACTGCTGCCTGAAATGCT[T>C]TGACAAGTTCTGTGCCAACACCTGTGTGGAATGCCGCAAGCCCATCGGTGCGGACTCCAA-3'
Protein context (NP_001153171.1, residues 38-58): KDGHHCCLKC[Phe48Ser]DKFCANTCVE